The following is an entry in ClinVar:

NM_001080779.2(MYO1C):c.1311C>T (p.Cys437=)

Gene: MYO1C (myosin IC; minus strand). Cytogenetic location: 17p13.3.
Variant type: single nucleotide variant.
Coding change: c.1311C>T on transcript NM_001080779.2 (MANE Select); coding-DNA position 1311, C replaced by T.
Protein change: p.Cys437=; no amino-acid change (cysteine 437 retained).
Molecular consequence: synonymous variant.
Genome position (GRCh38, 1-based): chr17:1,478,177, G>A on the plus strand (C>T on the coding strand, the complement: MYO1C is on the minus strand). VCF-style: chr17-1478177-G-A. GRCh37 (hg19) VCF-style: chr17-1381471-G-A.
Other names: c.1254C>T, p.Cys418= (NM_001080950.2); c.1239C>T, p.Cys413= (NM_001363855.1); c.1206C>T, p.Cys402= (NM_033375.5).
Identifiers: ClinVar variation 3047577 (VCV003047577.2), dbSNP rs149406971, ClinGen allele CA8267580.
Genomic context (GRCh38, chr17:1,478,177, plus strand): 5'-CTCCGACTTGAGCGTGAGCTCGATGAAGAGCTGCTGCAGCTTCTCGTTGCAGTAATTGAT[G>A]CAGAACTGCTCAAAGCTGTAAGGAAGGAGAAGAGCCCACAGTGGCTCAGTGGGGACACAG-3'
Protein context (NP_001074248.1, residues 427-447): VFQHNSFEQF[Cys437=]INYCNEKLQQ

ClinVar aggregate classification (germline): Likely benign (0 of 4 stars; one submission).

Conditions:
MYO1C-related disorder. Also called: MYO1C-related condition.

Allele frequency attached by ClinVar (database versions not stated): ExAC 0.00017; gnomAD 0.00019; TOPMed 0.00019; gnomAD exomes 0.00021; ESP Exome Variant Server 0.00038.
gnomAD v4.1: 360 of 1,613,782 alleles (0.022%); highest among the groups gnomAD compares: Middle Eastern, 0.082%; no homozygotes.

Submission:

PreventionGenetics, part of Exact Sciences
Classification: Likely benign for MYO1C-related condition. Last evaluated: 2019-03-29. Review status: no assertion criteria provided. Collection method: clinical testing. Allele origin: germline.
Comment: This variant is classified as likely benign based on ACMG/AMP sequence variant interpretation guidelines (Richards et al. 2015 PMID: 25741868, with internal and published modifications).